The following is an entry in ClinVar:

NM_006766.5(KAT6A):c.4752G>C (p.Gln1584His)

Gene: KAT6A (lysine acetyltransferase 6A; minus strand). Cytogenetic location: 8p11.21.
Variant type: single nucleotide variant.
Coding change: c.4752G>C on transcript NM_006766.5 (MANE Select); coding-DNA position 4752, G replaced by C.
Protein change: p.Gln1584His; replaces glutamine 1584 with histidine.
Molecular consequence: missense variant.
Genome position (GRCh38, 1-based): chr8:41,933,468, C>G on the plus strand (G>C on the coding strand, the complement: KAT6A is on the minus strand). VCF-style: chr8-41933468-C-G. GRCh37 (hg19) VCF-style: chr8-41790986-C-G.
Other names: short protein forms Q1584H.
Identifiers: ClinVar variation 1313294 (VCV001313294.2), dbSNP rs2150855858, ClinGen allele CA371064719.

ClinVar aggregate classification (germline): Uncertain significance (1 of 4 stars; one submission).

Submission:

GeneDx
Classification: Uncertain significance. Last evaluated: 2020-10-22. Review status: criteria provided, single submitter. Criteria: GeneDx Variant Classification Process June 2021. Collection method: clinical testing. Allele origin: germline. Affected: yes.
Comment: Not observed in large population cohorts (Lek et al., 2016); In silico analysis supports that this missense variant has a deleterious effect on protein structure/function; Has not been previously published as pathogenic or benign to our knowledge